The following is an entry in ClinVar:

NM_015610.4(WIPI2):c.724C>T (p.Arg242Trp)

Gene: WIPI2 (WD repeat domain, phosphoinositide interacting 2; plus strand). Cytogenetic location: 7p22.1.
Variant type: single nucleotide variant.
Coding change: c.724C>T on transcript NM_015610.4 (MANE Select); coding-DNA position 724, C replaced by T.
Protein change: p.Arg242Trp; replaces arginine 242 with tryptophan.
Molecular consequence: missense variant.
Genome position (GRCh38, 1-based): chr7:5,222,656, C>T. VCF-style: chr7-5222656-C-T. GRCh37 (hg19) VCF-style: chr7-5262287-C-T.
Other names: c.724C>T, p.Arg242Trp (NM_001033518.2); c.670C>T, p.Arg224Trp (NM_001033519.2, NM_016003.4); c.547C>T, p.Arg183Trp (NM_001033520.1); c.292C>T, p.Arg98Trp (NM_001278299.2); short protein forms R224W, R242W, R98W, R183W.
Identifiers: ClinVar variation 1030981 (VCV001030981.3), dbSNP rs1783201574, ClinGen allele CA366689216.
Genomic context (GRCh38, chr7:5,222,656, plus strand): 5'-CCACAGGGGACCGTGATTAGGGTATTTTCCATTCCAGAAGGACAAAAACTCTTTGAGTTT[C>T]GGAGAGGAGTAAAGAGGTAAAGTACGTGAATGTCCAGAATGGATTCTGGAGGTTGTATTT-3'
Protein context (NP_056425.1, residues 232-252): IPEGQKLFEF[Arg242Trp]RGVKRCVSIC

ClinVar aggregate classification (germline): Uncertain significance. Review status: criteria provided, single submitter (1 of 4 stars). 2 submissions from 2 submitters: Uncertain significance (1). 1 of the submissions does not count toward it. Last evaluated 2020-05-05.

Conditions:
Intellectual developmental disorder with short stature and variable skeletal anomalies. Identifiers: MedGen C5193105, MONDO:0032759, OMIM 618453.

Allele frequency attached by ClinVar (database versions not stated): gnomAD exomes below 0.00001.
gnomAD v4.1: 2 of 1,613,914 alleles (0.00012%); highest among the groups gnomAD compares: Non-Finnish European, 0.00017%; no homozygotes.

Submissions (2):

Baylor Genetics
Classification: Uncertain significance for Intellectual developmental disorder with short stature and variable skeletal anomalies. Last evaluated: 2020-05-05. Review status: criteria provided, single submitter. Criteria: ACMG Guidelines, 2015. Collection method: clinical testing. Allele origin: unknown. Affected: yes.
Comment: This variant was determined to be of uncertain significance according to ACMG Guidelines, 2015 [PMID:25741868].

OMIM
Classification: Pathogenic for INTELLECTUAL DEVELOPMENTAL DISORDER WITH SHORT STATURE AND VARIABLE SKELETAL ANOMALIES. Last evaluated: 2021-11-11. Review status: no assertion criteria provided. Collection method: literature only. Allele origin: germline. Not counted in ClinVar's aggregate classification.

Literature cited by the submitters: Maroofian, R., Gubas, A., Kalyrzhanov R., Scala, M., Hundallah, K., Severino, M., Abdel-Hamid, M. S., Rosenfeld, J. A., Ebrahimi-Fakhari, D., Ali, Z., Rahim, F., Houlden, H., Tooze, S. A., Alsaleh, N. S., Zaki, M. S. Homozygous missense WIPI2 variants cause a congenital disorder of autophagy with neurodevelopmental impairments of variable clinical severity and disease course. Brain Commun. 3: fcab183, 2021. (cited by OMIM).